The following is an entry in ClinVar:

NM_000567.3(CRP):c.176C>T (p.Thr59Met)

Gene: CRP (C-reactive protein; minus strand). Cytogenetic location: 1q23.2.
Variant type: single nucleotide variant.
Coding change: c.176C>T on transcript NM_000567.3 (MANE Select); coding-DNA position 176, C replaced by T.
Protein change: p.Thr59Met; replaces threonine 59 with methionine.
Molecular consequence: missense variant.
Genome position (GRCh38, 1-based): chr1:159,714,024, G>A on the plus strand (C>T on the coding strand, the complement: CRP is on the minus strand). VCF-style: chr1-159714024-G-A. GRCh37 (hg19) VCF-style: chr1-159683814-G-A.
Other names: c.176C>T, p.Thr59Met (NM_001329057.2, NM_001329058.2, NM_001382703.1); c.176C>T (NM_000567.2); short protein forms T59M.
Identifiers: ClinVar variation 1049406 (VCV001049406.4), dbSNP rs77832441, ClinGen allele CA1189237.

ClinVar aggregate classification (germline): Uncertain significance. Review status: criteria provided, single submitter (1 of 4 stars). 3 submissions from 3 submitters: Uncertain significance (1). 2 of the submissions do not count toward it.

Conditions:
CRP-related disorder. Also called: CRP-related condition.

Allele frequency attached by ClinVar (database versions not stated): 1000 Genomes Project 30x 0.00109; 1000 Genomes Project 0.00120; gnomAD exomes 0.00145 and 0.00280; ExAC 0.00151; gnomAD 0.00160 and 0.00161; ESP Exome Variant Server 0.00169; TOPMed 0.00180.

Submissions (3):

Breakthrough Genomics
Classification: Uncertain significance. Review status: criteria provided, single submitter. Criteria: ACMG Guidelines, 2015. Collection method: not provided. Allele origin: germline. Inheritance: Unknown mechanism. Affected: yes.

PreventionGenetics, part of Exact Sciences
Classification: Likely benign for CRP-related condition. Last evaluated: 2023-03-27. Review status: no assertion criteria provided. Collection method: clinical testing. Allele origin: germline. Not counted in ClinVar's aggregate classification.
Comment: This variant is classified as likely benign based on ACMG/AMP sequence variant interpretation guidelines (Richards et al. 2015 PMID: 25741868, with internal and published modifications).

Department of Pathology and Laboratory Medicine, Sinai Health System
Classification: Uncertain significance. Review status: no assertion criteria provided. Collection method: clinical testing. Allele origin: unknown. Affected: yes. Study: The Canadian Open Genetics Repository (COGR). Not counted in ClinVar's aggregate classification.